The following is an entry in ClinVar:

NM_001042492.3(NF1):c.6922-16A>G

Gene: NF1 (neurofibromin 1; plus strand). Cytogenetic location: 17q11.2.
Variant type: single nucleotide variant.
Coding change: c.6922-16A>G on transcript NM_001042492.3 (MANE Select); 16 bases into the intron before coding-DNA position 6922, A replaced by G.
Molecular consequence: intron variant.
Genome position (GRCh38, 1-based): chr17:31,340,489, A>G. VCF-style: chr17-31340489-A-G. GRCh37 (hg19) VCF-style: chr17-29667507-A-G.
Other names: c.6922-16A>G (NM_001042492.2); c.6859-16A>G (NM_000267.4).
Identifiers: ClinVar variation 512282 (VCV000512282.13), dbSNP rs202158964, ClinGen allele CA8487462.

ClinVar aggregate classification (germline): Conflicting classifications of pathogenicity. Review status: criteria provided, conflicting classifications (1 of 4 stars). 6 submissions from 6 submitters: Uncertain significance (1); Benign (1); Likely benign (3). 1 of the submissions does not count toward it. Last evaluated 2026-05-13.

Conditions:
Neurofibromatosis, type 1 (NF1). Also called: VON RECKLINGHAUSEN DISEASE; NEUROFIBROMATOSIS, TYPE I, SOMATIC; Peripheral type neurofibromatosis; Neurofibromatosis, type I. Identifiers: Orphanet 636, MedGen C0027831, MONDO:0018975, OMIM 162200. Disease mechanism: loss of function.
NF1-related disorder. Also called: NF1-related condition. Identifiers: MedGen CN379171.

Allele frequency attached by ClinVar (database versions not stated): ExAC 0.00017; TOPMed 0.00020; gnomAD 0.00028 and 0.00030.
gnomAD v4.1: 275 of 1,612,732 alleles (0.017%); highest among the groups gnomAD compares: Non-Finnish European, 0.0038%; no homozygotes.

Submissions (6):

Myriad Genetics, Inc.
Classification: Likely benign for Neurofibromatosis, type 1. Last evaluated: 2026-05-13. Review status: criteria provided, single submitter. Criteria: Myriad Autosomal Dominant, Autosomal Recessive and X-Linked Classification Criteria (2023). Collection method: clinical testing. Allele origin: unknown.
Comment: This variant is considered likely benign. This variant is intronic and is not expected to impact mRNA splicing.

Labcorp Genetics (formerly Invitae), Labcorp
Classification: Benign for Neurofibromatosis, type 1. Last evaluated: 2026-01-28. Review status: criteria provided, single submitter. Criteria: Invitae Variant Classification Sherloc (09022015). Collection method: clinical testing. Allele origin: germline.

Blueprint Genetics
Classification: Likely benign. Last evaluated: 2024-11-08. Review status: criteria provided, single submitter. Criteria: ACMG Guidelines, 2015. Collection method: clinical testing. Allele origin: germline.

GeneDx
Classification: Likely benign. Last evaluated: 2017-09-25. Review status: criteria provided, single submitter. Criteria: GeneDx Variant Classification (06012015). Collection method: clinical testing. Allele origin: germline. Affected: yes.
Comment: This variant is considered likely benign or benign based on one or more of the following criteria: it is a conservative change, it occurs at a poorly conserved position in the protein, it is predicted to be benign by multiple in silico algorithms, and/or has population frequency not consistent with disease.

Center for Human Genetics, Inc
Classification: Uncertain significance for Neurofibromatosis, type 1. Last evaluated: 2016-11-01. Review status: criteria provided, single submitter. Criteria: ACMG Guidelines, 2015. Collection method: clinical testing. Allele origin: germline. Affected: yes.

PreventionGenetics, part of Exact Sciences
Classification: Benign for NF1-related condition. Last evaluated: 2023-01-27. Review status: no assertion criteria provided. Collection method: clinical testing. Allele origin: germline. Not counted in ClinVar's aggregate classification.
Comment: This variant is classified as benign based on ACMG/AMP sequence variant interpretation guidelines (Richards et al. 2015 PMID: 25741868, with internal and published modifications).